The following is an entry in ClinVar:

NM_003072.5(SMARCA4):c.3044G>A (p.Gly1015Asp)

Gene: SMARCA4 (SWI/SNF related, matrix associated, actin dependent regulator of chromatin, subfamily a, member 4; plus strand). Cytogenetic location: 19p13.2.
Variant type: single nucleotide variant.
Coding change: c.3044G>A on transcript NM_003072.5 (MANE Select); coding-DNA position 3044, G replaced by A.
Protein change: p.Gly1015Asp; replaces glycine 1015 with aspartic acid.
Molecular consequence: missense variant. On other transcripts: non-coding transcript variant (1).
Genome position (GRCh38, 1-based): chr19:11,024,401, G>A. VCF-style: chr19-11024401-G-A. GRCh37 (hg19) VCF-style: chr19-11135077-G-A.
Other names: c.3044G>A, p.Gly1015Asp (NM_001128844.3, NM_001128845.2, NM_001128846.2 and 5 more transcripts); short protein forms G1015D.
Identifiers: ClinVar variation 1303603 (VCV001303603.2), dbSNP rs2146474738, ClinGen allele CA404059032.

ClinVar aggregate classification (germline): Uncertain significance (1 of 4 stars; one submission).

Submission:

GeneDx
Classification: Uncertain significance. Last evaluated: 2017-11-22. Review status: criteria provided, single submitter. Criteria: GeneDx Variant Classification Process June 2021. Collection method: clinical testing. Allele origin: germline. Affected: yes.
Comment: Not observed in large population cohorts (Lek et al., 2016; McVean et al., 2012; Exome Variant Server); In silico analyses, including protein predictors and evolutionary conservation, support a deleterious effect; Has not been previously published as pathogenic or benign to our knowledge